The following is an entry in ClinVar:

ClinVar aggregate classification (germline): Conflicting classifications of pathogenicity. Review status: criteria provided, conflicting classifications (1 of 4 stars). 3 submissions from 3 submitters: Uncertain significance (2); Likely benign (1). Last evaluated 2022-08-09.

Conditions:
Developmental and epileptic encephalopathy, 31A. Also called: Epileptic encephalopathy, early infantile, 31; Developmental and epileptic encephalopathy, 31. Identifiers: Orphanet 2382, MedGen C4225357, MONDO:0014598, OMIM 616346.

Allele frequency attached by ClinVar (database versions not stated): gnomAD exomes below 0.00001.
gnomAD v4.1: 1 of 1,574,508 alleles (0.000064%); highest among the groups gnomAD compares: South Asian, 0.0012%; no homozygotes.

Submissions (3):

Labcorp Genetics (formerly Invitae), Labcorp
Classification: Likely benign for Developmental and epileptic encephalopathy, 31A. Last evaluated: 2022-08-09. Review status: criteria provided, single submitter. Criteria: Invitae Variant Classification Sherloc (09022015). Collection method: clinical testing. Allele origin: germline.

GeneDx
Classification: Uncertain significance. Last evaluated: 2022-04-12. Review status: criteria provided, single submitter. Criteria: GeneDx Variant Classification Process June 2021. Collection method: clinical testing. Allele origin: germline. Affected: yes.
Comment: Not observed at significant frequency in large population cohorts (gnomAD); In silico analysis supports that this missense variant has a deleterious effect on protein structure/function; Has not been previously published as pathogenic or benign to our knowledge

Blueprint Genetics
Classification: Uncertain significance. Last evaluated: 2019-02-13. Review status: criteria provided, single submitter. Criteria: ACMG Guidelines, 2015. Collection method: clinical testing. Allele origin: germline.

NM_004408.4(DNM1):c.1393C>T (p.Arg465Trp)

Gene: DNM1 (dynamin 1; plus strand). Cytogenetic location: 9q34.11.
Variant type: single nucleotide variant.
Coding change: c.1393C>T on transcript NM_004408.4 (MANE Select); coding-DNA position 1393, C replaced by T.
Protein change: p.Arg465Trp; replaces arginine 465 with tryptophan.
Molecular consequence: missense variant.
Genome position (GRCh38, 1-based): chr9:128,234,078, C>T. VCF-style: chr9-128234078-C-T. GRCh37 (hg19) VCF-style: chr9-130996357-C-T.
Other names: c.1393C>T, p.Arg465Trp (NM_001005336.3, NM_001288737.2, NM_001288738.2 and 2 more transcripts); short protein forms R465W.
Identifiers: ClinVar variation 1529731 (VCV001529731.10), dbSNP rs772264918, ClinGen allele CA5258143.